The following is an entry in ClinVar:

NM_000245.4(MET):c.1553T>C (p.Leu518Ser)

Gene: MET (MET proto-oncogene, receptor tyrosine kinase; plus strand). Cytogenetic location: 7q31.2.
Variant type: single nucleotide variant.
Coding change: c.1553T>C on transcript NM_000245.4 (MANE Select); coding-DNA position 1553, T replaced by C.
Protein change: p.Leu518Ser; replaces leucine 518 with serine.
Molecular consequence: missense variant.
Genome position (GRCh38, 1-based): chr7:116,740,877, T>C. VCF-style: chr7-116740877-T-C. GRCh37 (hg19) VCF-style: chr7-116380931-T-C.
Other names: c.1553T>C (NM_001127500.1); c.1553T>C, p.Leu518Ser (NM_001127500.3, NM_001324401.3); c.263T>C, p.Leu88Ser (NM_001324402.2); short protein forms L518S, L88S.
Identifiers: ClinVar variation 1442515 (VCV001442515.7), dbSNP rs2116834331, ClinGen allele CA368975064.

ClinVar aggregate classification (germline): Uncertain significance. Review status: criteria provided, multiple submitters, no conflicts (2 of 4 stars). 2 submissions from 2 submitters: Uncertain significance (2). Last evaluated 2024-10-28.

Conditions:
Renal cell carcinoma. Identifiers: Orphanet 217071, MedGen C0007134, MeSH D002292, MONDO:0005086, HP:0005584.
Hereditary cancer-predisposing syndrome. Also called: Tumor predisposition; Hereditary Cancer Syndrome; Hereditary neoplastic syndrome; Neoplastic Syndromes, Hereditary. Identifiers: Orphanet 140162, MedGen C0027672, MeSH D009386, MONDO:0015356.

Submissions (2):

Ambry Genetics
Classification: Uncertain significance for Hereditary cancer-predisposing syndrome. Last evaluated: 2024-10-28. Review status: criteria provided, single submitter. Criteria: Ambry Variant Classification Scheme 2023. Collection method: clinical testing. Allele origin: germline.
Comment: The p.L518S variant (also known as c.1553T>C), located in coding exon 4 of the MET gene, results from a T to C substitution at nucleotide position 1553. The leucine at codon 518 is replaced by serine, an amino acid with dissimilar properties. This amino acid position is conserved. In addition, the in silico prediction for this alteration is inconclusive. Based on the available evidence, the clinical significance of this variant remains unclear.

Labcorp Genetics (formerly Invitae), Labcorp
Classification: Uncertain significance for Renal cell carcinoma. Last evaluated: 2023-01-31. Review status: criteria provided, single submitter. Criteria: Invitae Variant Classification Sherloc (09022015). Collection method: clinical testing. Allele origin: germline.
Comment: This sequence change replaces leucine, which is neutral and non-polar, with serine, which is neutral and polar, at codon 518 of the MET protein (p.Leu518Ser). This variant is not present in population databases (gnomAD no frequency). This variant has not been reported in the literature in individuals affected with MET-related conditions. ClinVar contains an entry for this variant (Variation ID: 1442515). Advanced modeling of protein sequence and biophysical properties (such as structural, functional, and spatial information, amino acid conservation, physicochemical variation, residue mobility, and thermodynamic stability) performed at Invitae indicates that this missense variant is expected to disrupt MET protein function. In summary, the available evidence is currently insufficient to determine the role of this variant in disease. Therefore, it has been classified as a Variant of Uncertain Significance.